The following is an entry in ClinVar:

ClinVar aggregate classification (germline): Uncertain significance (1 of 4 stars; one submission).

Conditions:
Arrhythmogenic right ventricular dysplasia 10. Also called: Arrhythmogenic Right Ventricular Dysplasia/Cardiomyopathy10; ARRHYTHMOGENIC RIGHT VENTRICULAR DYSPLASIA, FAMILIAL, 10; Arrhythmogenic right ventricular dysplasia/cardiomyopathy, type 10. Identifiers: MedGen C1857777, MONDO:0012434, OMIM 610193.

Allele frequency attached by ClinVar (database versions not stated): gnomAD exomes below 0.00001 and 0.00001.
gnomAD v4.1: 14 of 1,614,208 alleles (0.00087%); highest among the groups gnomAD compares: East Asian, 0.029%; no homozygotes.

Submission:

Labcorp Genetics (formerly Invitae), Labcorp
Classification: Uncertain significance for Arrhythmogenic right ventricular dysplasia 10. Last evaluated: 2023-03-08. Review status: criteria provided, single submitter. Criteria: Invitae Variant Classification Sherloc (09022015). Collection method: clinical testing. Allele origin: germline.
Comment: Advanced modeling of protein sequence and biophysical properties (such as structural, functional, and spatial information, amino acid conservation, physicochemical variation, residue mobility, and thermodynamic stability) performed at Invitae indicates that this missense variant is not expected to disrupt DSG2 protein function. In summary, the available evidence is currently insufficient to determine the role of this variant in disease. Therefore, it has been classified as a Variant of Uncertain Significance. ClinVar contains an entry for this variant (Variation ID: 1056815). This variant has not been reported in the literature in individuals affected with DSG2-related conditions. This variant is present in population databases (no rsID available, gnomAD 0.006%). This sequence change replaces serine, which is neutral and polar, with asparagine, which is neutral and polar, at codon 886 of the DSG2 protein (p.Ser886Asn).

NM_001943.5(DSG2):c.2657G>A (p.Ser886Asn)

Genes: DSG2 (desmoglein 2; plus strand), DSG2-AS1 (DSG2 antisense RNA 1; minus strand). Cytogenetic location: 18q12.1.
Variant type: single nucleotide variant.
Coding change: c.2657G>A on transcript NM_001943.5 (MANE Select); coding-DNA position 2657, G replaced by A.
Protein change: p.Ser886Asn; replaces serine 886 with asparagine.
Molecular consequence: missense variant.
Genome position (GRCh38, 1-based): chr18:31,546,043, G>A. VCF-style: chr18-31546043-G-A. GRCh37 (hg19) VCF-style: chr18-29126006-G-A.
Other names: short protein forms S886N.
Identifiers: ClinVar variation 1056815 (VCV001056815.7), dbSNP rs1454240099, ClinGen allele CA402145935.
Genomic context (GRCh38, chr18:31,546,043, plus strand): 5'-CTTCACATTCACTCTGTGAGCAAACTATGGTTAATTCAGAGAATACCTACTCCTCTGGCA[G>A]TAGCTTCCCAGTTCCAAAATCTTTGCAAGAAGCCAATGCAGAGAAAGTAACTCAGGAAAT-3'
Protein context (NP_001934.2, residues 876-896): VNSENTYSSG[Ser886Asn]SFPVPKSLQE